The following is an entry in ClinVar:

NM_003640.5(ELP1):c.1926G>A (p.Thr642=)

Gene: ELP1 (elongator acetyltransferase complex subunit 1; minus strand). Cytogenetic location: 9q31.3.
Variant type: single nucleotide variant.
Coding change: c.1926G>A on transcript NM_003640.5 (MANE Select); coding-DNA position 1926, G replaced by A.
Protein change: p.Thr642=; no amino-acid change (threonine 642 retained).
Molecular consequence: synonymous variant.
Genome position (GRCh38, 1-based): chr9:108,901,513, C>T on the plus strand (G>A on the coding strand, the complement: ELP1 is on the minus strand). VCF-style: chr9-108901513-C-T. GRCh37 (hg19) VCF-style: chr9-111663793-C-T.
Other names: p.T642T:ACG>ACA; p.Thr642=; c.1926G>A (LRG_251t1); c.1584G>A, p.Thr528= (NM_001318360.2); c.879G>A, p.Thr293= (NM_001330749.2).
Identifiers: ClinVar variation 137575 (VCV000137575.25), dbSNP rs10979605, ClinGen allele CA291220.

ClinVar aggregate classification (germline): Benign. Review status: criteria provided, multiple submitters, no conflicts (2 of 4 stars). 8 submissions from 8 submitters: Benign (7). 1 of the submissions does not count toward it. Last evaluated 2026-02-04.

Conditions:
Familial dysautonomia. Also called: FD; HSAN III. Identifiers: Orphanet 1764, MedGen C0013364, MONDO:0009131, OMIM 223900. Disease mechanism: loss of function.

Allele frequency attached by ClinVar (database versions not stated): gnomAD exomes 0.07149 and 0.07720; ExAC 0.07682; 1000 Genomes Project 0.07907; 1000 Genomes Project 30x 0.08151; gnomAD 0.09388 and 0.09707; TOPMed 0.09454; ESP Exome Variant Server 0.10426.

Submissions (8):

Labcorp Genetics (formerly Invitae), Labcorp
Classification: Benign. Last evaluated: 2026-02-04. Review status: criteria provided, single submitter. Criteria: Invitae Variant Classification Sherloc (09022015). Collection method: clinical testing. Allele origin: germline.

Mayo Clinic Laboratories, Mayo Clinic
Classification: Benign. Last evaluated: 2022-03-03. Review status: criteria provided, single submitter. Criteria: ACMG Guidelines, 2015. Collection method: clinical testing. Allele origin: germline. Observed: 263 variant alleles.

Genome-Nilou Lab
Classification: Benign for Familial dysautonomia. Last evaluated: 2021-07-01. Review status: criteria provided, single submitter. Criteria: ACMG Guidelines, 2015. Collection method: clinical testing. Allele origin: germline. Affected: no.

Illumina Laboratory Services, Illumina
Classification: Benign for Familial dysautonomia. Last evaluated: 2018-01-13. Review status: criteria provided, single submitter. Criteria: ICSL Variant Classification Criteria 13 December 2019. Collection method: clinical testing. Allele origin: germline.
Comment: This variant was observed in the ICSL laboratory as part of a predisposition screen in an ostensibly healthy population. It had not been previously curated by ICSL or reported in the Human Gene Mutation Database (HGMD: prior to June 1st, 2018), and was therefore a candidate for classification through an automated scoring system. Utilizing variant allele frequency, disease prevalence and penetrance estimates, and inheritance mode, an automated score was calculated to assess if this variant is too frequent to cause the disease. Based on the score and internal cut-off values, a variant classified as benign is not then subjected to further curation. The score for this variant resulted in a classification of benign for this disease.

GeneDx
Classification: Benign. Last evaluated: 2014-03-07. Review status: criteria provided, single submitter. Criteria: GeneDx Variant Classification (06012015). Collection method: clinical testing. Allele origin: germline. Affected: yes.
Comment: This variant is considered likely benign or benign based on one or more of the following criteria: it is a conservative change, it occurs at a poorly conserved position in the protein, it is predicted to be benign by multiple in silico algorithms, and/or has population frequency not consistent with disease.

Breakthrough Genomics
Classification: Benign. Review status: criteria provided, single submitter. Criteria: ACMG Guidelines, 2015. Collection method: not provided. Allele origin: germline. Inheritance: Autosomal recessive inheritance. Affected: yes.

PreventionGenetics, part of Exact Sciences
Classification: Benign. Review status: criteria provided, single submitter. Criteria: ACMG Guidelines, 2015. Collection method: clinical testing. Allele origin: germline.

Natera, Inc.
Classification: Benign for Familial dysautonomia. Last evaluated: 2017-05-10. Review status: no assertion criteria provided. Collection method: clinical testing. Allele origin: germline. Not counted in ClinVar's aggregate classification.